The following is an entry in ClinVar:

ClinVar aggregate classification (germline): Uncertain significance (0 of 4 stars; one submission).

Allele frequency attached by ClinVar (database versions not stated): gnomAD exomes 0.00001.
gnomAD v4.1: 8 of 1,613,320 alleles (0.0005%); highest among the groups gnomAD compares: Non-Finnish European, 0.00059%; no homozygotes.

Submission:

Greenwood Genetic Center Diagnostic Laboratories, Greenwood Genetic Center
Classification: Uncertain significance. Last evaluated: 2022-01-18. Review status: no assertion criteria provided. Collection method: clinical testing. Allele origin: unknown. Affected: yes. Observed: 1 heterozygote.

NM_032108.4(SEMA6B):c.1114C>T (p.Arg372Ter)

Gene: SEMA6B (semaphorin 6B; minus strand). Cytogenetic location: 19p13.3.
Variant type: single nucleotide variant.
Coding change: c.1114C>T on transcript NM_032108.4 (MANE Select); coding-DNA position 1114, C replaced by T.
Protein change: p.Arg372Ter; replaces arginine 372 with a stop codon.
Molecular consequence: nonsense.
Genome position (GRCh38, 1-based): chr19:4,550,806, G>A on the plus strand (C>T on the coding strand, the complement: SEMA6B is on the minus strand). VCF-style: chr19-4550806-G-A. GRCh37 (hg19) VCF-style: chr19-4550818-G-A.
Other names: short protein forms R372*.
Identifiers: ClinVar variation 1334192 (VCV001334192.3), dbSNP rs2145352034, ClinGen allele CA403465750.